The following is an entry in ClinVar:

ClinVar aggregate classification (germline): Likely pathogenic (0 of 4 stars; one submission).

Conditions:
TUBB1-related disorder. Also called: TUBB1-related condition.

Submission:

PreventionGenetics, part of Exact Sciences
Classification: Likely pathogenic for TUBB1-related condition. Last evaluated: 2024-09-05. Review status: no assertion criteria provided. Collection method: clinical testing. Allele origin: germline.
Comment: The TUBB1 c.1257_1260delinsTGAGTACCATGTT variant is predicted to result in an in-frame deletion and insertion. To our knowledge, this variant has not been reported in the literature. However, the segregation of this variant showed that individuals with the heterozygous state have thrombocytopenia (internal data at PreventionGenetics). This variant is not reported in a large population database, indicating this variant is rare. This variant is interpreted as likely pathogenic.

NM_030773.4(TUBB1):c.1257_1260delinsTGAGTACCATGTT (p.Ser420delinsGluTyrHisVal)

Gene: TUBB1 (tubulin beta 1 class VI; plus strand). Cytogenetic location: 20q13.32.
Variant type: Indel.
Coding change: c.1257_1260delinsTGAGTACCATGTT on transcript NM_030773.4 (MANE Select); coding-DNA positions 1257 to 1260, ATCC replaced by TGAGTACCATGTT.
Protein change: p.Ser420delinsGluTyrHisVal.
Molecular consequence: inframe indel.
Genome position (GRCh38, 1-based): chr20:59,024,684-59,024,687, ATCC replaced by TGAGTACCATGTT. VCF-style: chr20-59024684-ATCC-TGAGTACCATGTT. GRCh37 (hg19) VCF-style: chr20-57599739-ATCC-TGAGTACCATGTT.
Other names: c.1257_1260delATCCinsTGAGTACCATGTT, p.Ser420delinsGluTyrHisVal (NM_030773.3).
Identifiers: ClinVar variation 3345305 (VCV003345305.1).